The following is an entry in ClinVar:

NM_004333.6(BRAF):c.1309C>T (p.Arg437Ter)

Gene: BRAF (B-Raf proto-oncogene, serine/threonine kinase; minus strand). Cytogenetic location: 7q34.
Variant type: single nucleotide variant.
Coding change: c.1309C>T on transcript NM_004333.6 (MANE Select); coding-DNA position 1309, C replaced by T.
Protein change: p.Arg437Ter; replaces arginine 437 with a stop codon.
Molecular consequence: nonsense.
Genome position (GRCh38, 1-based): chr7:140,783,026, G>A on the plus strand (C>T on the coding strand, the complement: BRAF is on the minus strand). VCF-style: chr7-140783026-G-A. GRCh37 (hg19) VCF-style: chr7-140482826-G-A.
Other names: c.1309C>T, p.Arg437Ter (NM_001354609.2, NM_001378468.1, NM_001378474.1); c.1429C>T, p.Arg477Ter (NM_001374244.1, NM_001374258.1); c.1318C>T, p.Arg440Ter (NM_001378467.1); c.1243C>T, p.Arg415Ter (NM_001378469.1); c.1207C>T, p.Arg403Ter (NM_001378470.1); c.1198C>T, p.Arg400Ter (NM_001378471.1); c.1153C>T, p.Arg385Ter (NM_001378472.1, NM_001378473.1); c.1045C>T, p.Arg349Ter (NM_001378475.1); short protein forms R415*, R440*, R403*, R349*, R385*, R437*, R400*, R477*.
Identifiers: ClinVar variation 4739004 (VCV004739004.1).

ClinVar aggregate classification (germline): Uncertain significance (1 of 4 stars; one submission).

Conditions:
RASopathy. Also called: rasopathies; Noonan spectrum disorder. Identifiers: Orphanet 536391, MedGen C5555857, MONDO:0021060.

Submission:

Labcorp Genetics (formerly Invitae), Labcorp
Classification: Uncertain significance for RASopathy. Last evaluated: 2025-10-31. Review status: criteria provided, single submitter. Criteria: Invitae Variant Classification Sherloc (09022015). Collection method: clinical testing. Allele origin: germline.
Comment: This sequence change creates a premature translational stop signal (p.Arg437*) in the BRAF gene. It is expected to result in an absent or disrupted protein product. However, the current clinical and genetic evidence is not sufficient to establish whether loss-of-function variants in BRAF cause disease. This variant is not present in population databases (gnomAD no frequency). This variant has not been reported in the literature in individuals affected with BRAF-related conditions. In summary, the available evidence is currently insufficient to determine the role of this variant in disease. Therefore, it has been classified as a Variant of Uncertain Significance.